The following is an entry in ClinVar:

NM_033064.5(ATCAY):c.705G>C (p.Leu235=)

Gene: ATCAY (ATCAY kinesin light chain interacting caytaxin; plus strand). Cytogenetic location: 19p13.3.
Variant type: single nucleotide variant.
Coding change: c.705G>C on transcript NM_033064.5 (MANE Select); coding-DNA position 705, G replaced by C.
Protein change: p.Leu235=; no amino-acid change (leucine 235 retained).
Molecular consequence: synonymous variant.
Genome position (GRCh38, 1-based): chr19:3,909,543, G>C. VCF-style: chr19-3909543-G-C. GRCh37 (hg19) VCF-style: chr19-3909541-G-C.
Identifiers: ClinVar variation 2649019 (VCV002649019.24), dbSNP rs138571070, ClinGen allele CA9087304.
Genomic context (GRCh38, chr19:3,909,543, plus strand): 5'-CAGGTACGTCATCAGCAGCTTAGAGCTCCTGGTGGCTGAGGACTACATGATCGTGTACCT[G>C]AACGGTGCCACGCCCCGGCGGAGGATGCCTGGAATCGGCTGGCTGAAGAAGTGCTACCAG-3'
Protein context (NP_149053.1, residues 225-245): LVAEDYMIVY[Leu235=]NGATPRRRMP

ClinVar aggregate classification (germline): Uncertain significance (1 of 4 stars; one submission).

Allele frequency attached by ClinVar (database versions not stated): ESP Exome Variant Server 0.00016; ExAC 0.00021; TOPMed 0.00034; gnomAD 0.00038; 1000 Genomes Project 30x 0.00047; 1000 Genomes Project 0.00060.
gnomAD v4.1: 634 of 1,613,858 alleles (0.039%); highest among the groups gnomAD compares: Non-Finnish European, 0.049%; no homozygotes.

Submission:

CeGaT Center for Human Genetics Tuebingen
Classification: Uncertain significance. Last evaluated: 2023-06-01. Review status: criteria provided, single submitter. Criteria: CeGaT Center For Human Genetics Tuebingen Variant Classification Criteria Version 2. Collection method: clinical testing. Allele origin: germline. Affected: yes. Observed: 1 variant allele.
Comment: ATCAY: PM2, BP4